The following is an entry in ClinVar:

ClinVar aggregate classification (germline): Benign/Likely benign. Review status: criteria provided, multiple submitters, no conflicts (2 of 4 stars). 5 submissions from 5 submitters: Benign (2); Likely benign (2). 1 of the submissions does not count toward it. Last evaluated 2026-01-04.

Conditions:
Inborn genetic diseases. Identifiers: MedGen C0950123, MeSH D030342.
VCAN-related disorder. Also called: VCAN-related condition.
Vitreoretinopathy. Also called: Vitreoretinal degeneration. Identifiers: MedGen C0344290, MONDO:0020248, HP:0007773.

Allele frequency attached by ClinVar (database versions not stated): gnomAD exomes 0.00009 and 0.00024; ExAC 0.00018; gnomAD 0.00043 and 0.00044; TOPMed 0.00054; ESP Exome Variant Server 0.00062.
gnomAD v4.1: 208 of 1,613,994 alleles (0.013%); highest among the groups gnomAD compares: African/African-American, 0.13%; no homozygotes.

Submissions (5):

Labcorp Genetics (formerly Invitae), Labcorp
Classification: Benign. Last evaluated: 2026-01-04. Review status: criteria provided, single submitter. Criteria: Invitae Variant Classification Sherloc (09022015). Collection method: clinical testing. Allele origin: germline.

Blueprint Genetics
Classification: Likely benign. Last evaluated: 2024-03-05. Review status: criteria provided, single submitter. Criteria: ACMG Guidelines, 2015. Collection method: clinical testing. Allele origin: germline.

Ambry Genetics
Classification: Likely benign for Inborn genetic diseases. Last evaluated: 2021-10-29. Review status: criteria provided, single submitter. Criteria: Ambry Variant Classification Scheme 2023. Collection method: clinical testing. Allele origin: germline.

Illumina Laboratory Services, Illumina
Classification: Benign for Vitreoretinopathy. Last evaluated: 2018-01-13. Review status: criteria provided, single submitter. Criteria: ICSL Variant Classification Criteria 13 December 2019. Collection method: clinical testing. Allele origin: germline.
Comment: This variant was observed in the ICSL laboratory as part of a predisposition screen in an ostensibly healthy population. It had not been previously curated by ICSL or reported in the Human Gene Mutation Database (HGMD: prior to June 1st, 2018), and was therefore a candidate for classification through an automated scoring system. Utilizing variant allele frequency, disease prevalence and penetrance estimates, and inheritance mode, an automated score was calculated to assess if this variant is too frequent to cause the disease. Based on the score and internal cut-off values, a variant classified as benign is not then subjected to further curation. The score for this variant resulted in a classification of benign for this disease.

PreventionGenetics, part of Exact Sciences
Classification: Likely benign for VCAN-related condition. Last evaluated: 2022-02-24. Review status: no assertion criteria provided. Collection method: clinical testing. Allele origin: germline. Not counted in ClinVar's aggregate classification.
Comment: This variant is classified as likely benign based on ACMG/AMP sequence variant interpretation guidelines (Richards et al. 2015 PMID: 25741868, with internal and published modifications).

NM_004385.5(VCAN):c.7489A>G (p.Lys2497Glu)

Genes: VCAN (versican; plus strand), VCAN-AS1 (VCAN antisense RNA 1; minus strand). Cytogenetic location: 5q14.3.
Variant type: single nucleotide variant.
Coding change: c.7489A>G on transcript NM_004385.5 (MANE Select); coding-DNA position 7489, A replaced by G.
Protein change: p.Lys2497Glu; replaces lysine 2497 with glutamic acid.
Molecular consequence: missense variant. On other transcripts: intron variant (2).
Genome position (GRCh38, 1-based): chr5:83,540,492, A>G. VCF-style: chr5-83540492-A-G. GRCh37 (hg19) VCF-style: chr5-82836311-A-G.
Other names: c.4528A>G, p.Lys1510Glu (NM_001164097.2); c.4004-5045A>G (NM_001164098.2); c.1043-5045A>G (NM_001126336.3); short protein forms K2497E, K1510E.
Identifiers: ClinVar variation 354442 (VCV000354442.18), dbSNP rs140606678, ClinGen allele CA3333646.